The following is an entry in ClinVar:

NM_016222.4(DDX41):c.541A>C (p.Lys181Gln)

Gene: DDX41 (DEAD-box helicase 41; minus strand). Cytogenetic location: 5q35.3.
Variant type: single nucleotide variant.
Coding change: c.541A>C on transcript NM_016222.4 (MANE Select); coding-DNA position 541, A replaced by C.
Protein change: p.Lys181Gln; replaces lysine 181 with glutamine.
Molecular consequence: missense variant.
Genome position (GRCh38, 1-based): chr5:177,515,715, T>G on the plus strand (A>C on the coding strand, the complement: DDX41 is on the minus strand). VCF-style: chr5-177515715-T-G. GRCh37 (hg19) VCF-style: chr5-176942716-T-G.
Other names: c.163A>C, p.Lys55Gln (NM_001321732.2, NM_001321830.2); short protein forms K181Q, K55Q.
Identifiers: ClinVar variation 4841785 (VCV004841785.1).
Genomic context (GRCh38, chr5:177,515,715, plus strand): 5'-GTGTGGTATCTCTCTCCAGCCCCTGACTACCTGCAGGAAACTTCATTTCCTTGAAGCTCT[T>G]GATGGGTGGTGGGATACCGTCTCCCTCCACCAGGATGTGGTATTTCTTCCGCACGCGCTC-3'
Protein context (NP_057306.2, residues 171-191): VEGDGIPPPI[Lys181Gln]SFKEMKFPAA

ClinVar aggregate classification (germline): Uncertain significance (1 of 4 stars; one submission).

Conditions:
Inborn genetic diseases. Identifiers: MedGen C0950123, MeSH D030342.

Submission:

Ambry Genetics
Classification: Uncertain significance for Inborn genetic diseases. Last evaluated: 2025-12-15. Review status: criteria provided, single submitter. Criteria: Ambry Variant Classification Scheme 2023. Collection method: clinical testing. Allele origin: germline.
Comment: The p.K181Q variant (also known as c.541A>C), located in coding exon 6 of the DDX41 gene, results from an A to C substitution at nucleotide position 541. The lysine at codon 181 is replaced by glutamine, an amino acid with similar properties. This amino acid position is conserved. In addition, this alteration is predicted to be tolerated by in silico analysis. Based on the available evidence, the clinical significance of this variant remains unclear.